The following is an entry in ClinVar:

NM_080669.6(SLC46A1):c.722G>A (p.Arg241Gln)

Gene: SLC46A1 (solute carrier family 46 member 1; minus strand). Cytogenetic location: 17q11.2.
Variant type: single nucleotide variant.
Coding change: c.722G>A on transcript NM_080669.6 (MANE Select); coding-DNA position 722, G replaced by A.
Protein change: p.Arg241Gln; replaces arginine 241 with glutamine.
Molecular consequence: missense variant.
Genome position (GRCh38, 1-based): chr17:28,404,975, C>T on the plus strand (G>A on the coding strand, the complement: SLC46A1 is on the minus strand). VCF-style: chr17-28404975-C-T. GRCh37 (hg19) VCF-style: chr17-26731993-C-T.
Other names: c.722G>A, p.Arg241Gln (NM_001242366.3); short protein forms R241Q.
Identifiers: ClinVar variation 1945522 (VCV001945522.6), dbSNP rs1555590632, ClinGen allele CA8458293.

ClinVar aggregate classification (germline): Uncertain significance. Review status: criteria provided, multiple submitters, no conflicts (2 of 4 stars). 2 submissions from 2 submitters: Uncertain significance (2). Last evaluated 2024-10-21.

Allele frequency attached by ClinVar (database versions not stated): gnomAD exomes below 0.00001.

Submissions (2):

Labcorp Genetics (formerly Invitae), Labcorp
Classification: Uncertain significance. Last evaluated: 2024-10-21. Review status: criteria provided, single submitter. Criteria: Invitae Variant Classification Sherloc (09022015). Collection method: clinical testing. Allele origin: germline.
Comment: This sequence change replaces arginine, which is basic and polar, with glutamine, which is neutral and polar, at codon 241 of the SLC46A1 protein (p.Arg241Gln). This variant is present in population databases (no rsID available, gnomAD 0.003%). This variant has not been reported in the literature in individuals affected with SLC46A1-related conditions. ClinVar contains an entry for this variant (Variation ID: 1945522). Invitae Evidence Modeling of protein sequence and biophysical properties (such as structural, functional, and spatial information, amino acid conservation, physicochemical variation, residue mobility, and thermodynamic stability) indicates that this missense variant is not expected to disrupt SLC46A1 protein function with a negative predictive value of 80%. In summary, the available evidence is currently insufficient to determine the role of this variant in disease. Therefore, it has been classified as a Variant of Uncertain Significance.

Blueprint Genetics
Classification: Uncertain significance. Last evaluated: 2023-08-17. Review status: criteria provided, single submitter. Criteria: ACMG Guidelines, 2015. Collection method: clinical testing. Allele origin: germline.